The following is an entry in ClinVar:

ClinVar aggregate classification (germline): Uncertain significance (1 of 4 stars; one submission).

Conditions:
Monogenic diabetes. Identifiers: Orphanet 183625, MedGen C3888631, MONDO:0015967.

Allele frequency attached by ClinVar (database versions not stated): gnomAD 0.00033; ESP Exome Variant Server 0.00038; 1000 Genomes Project 0.00040; 1000 Genomes Project 30x 0.00047; TOPMed 0.00064.
gnomAD v4.1: 320 of 1,613,724 alleles (0.02%); highest among the groups gnomAD compares: Admixed American, 0.055%; 2 homozygotes.

Submission:

Personalized Diabetes Medicine Program, University of Maryland School of Medicine
Classification: Uncertain significance for Monogenic diabetes. Last evaluated: 2018-01-02. Review status: criteria provided, single submitter. Criteria: ACMG Guidelines, 2015. Collection method: research. Allele origin: unknown. Observed: 1 variant allele, 1 heterozygote.
Comment: ACMG criteria: BP4 (10 predictors)=VUS

NM_002711.4(PPP1R3A):c.297C>A (p.Phe99Leu)

Gene: PPP1R3A (protein phosphatase 1 regulatory subunit 3A; minus strand). Cytogenetic location: 7q31.1.
Variant type: single nucleotide variant.
Coding change: c.297C>A on transcript NM_002711.4 (MANE Select); coding-DNA position 297, C replaced by A.
Protein change: p.Phe99Leu; replaces phenylalanine 99 with leucine.
Molecular consequence: missense variant.
Genome position (GRCh38, 1-based): chr7:113,918,700, G>T on the plus strand (C>A on the coding strand, the complement: PPP1R3A is on the minus strand). VCF-style: chr7-113918700-G-T. GRCh37 (hg19) VCF-style: chr7-113558755-G-T.
Other names: short protein forms F99L.
Identifiers: ClinVar variation 917465 (VCV000917465.2), dbSNP rs115949425, ClinGen allele CA4445499.